The following is an entry in ClinVar:

ClinVar aggregate classification (germline): Uncertain significance (1 of 4 stars; one submission).

Submission:

Labcorp Genetics (formerly Invitae), Labcorp
Classification: Uncertain significance. Last evaluated: 2025-05-15. Review status: criteria provided, single submitter. Criteria: Invitae Variant Classification Sherloc (09022015). Collection method: clinical testing. Allele origin: germline.
Comment: This sequence change replaces histidine, which is basic and polar, with aspartic acid, which is acidic and polar, at codon 178 of the KLF11 protein (p.His178Asp). This variant is not present in population databases (gnomAD no frequency). This variant has not been reported in the literature in individuals affected with KLF11-related conditions. An algorithm developed to predict the effect of missense changes on protein structure and function (PolyPhen-2) suggests that this variant is likely to be disruptive. In summary, the available evidence is currently insufficient to determine the role of this variant in disease. Therefore, it has been classified as a Variant of Uncertain Significance.

NM_003597.5(KLF11):c.532C>G (p.His178Asp)

Gene: KLF11 (KLF transcription factor 11; plus strand). Cytogenetic location: 2p25.1.
Variant type: single nucleotide variant.
Coding change: c.532C>G on transcript NM_003597.5 (MANE Select); coding-DNA position 532, C replaced by G.
Protein change: p.His178Asp; replaces histidine 178 with aspartic acid.
Molecular consequence: missense variant.
Genome position (GRCh38, 1-based): chr2:10,047,869, C>G. VCF-style: chr2-10047869-C-G. GRCh37 (hg19) VCF-style: chr2-10187996-C-G.
Other names: c.481C>G, p.His161Asp (NM_001177716.2, NM_001177718.2); short protein forms H161D, H178D.
Identifiers: ClinVar variation 4718304 (VCV004718304.1).
Genomic context (GRCh38, chr2:10,047,869, plus strand): 5'-CTGGGTTTGGAGCCAGTGCCCAGCTCTCCCTGCAGGGCCAAGGGGACTAGCGTGATCCGA[C>G]ACACTGGGGAGAGCCCTGCTGCCTGCTTTCCCACCATCCAGACTCCAGATTGCCGGCTTT-3'
Protein context (NP_003588.1, residues 168-188): CRAKGTSVIR[His178Asp]TGESPAACFP